The following is an entry in ClinVar:

ClinVar aggregate classification (germline): Uncertain significance (1 of 4 stars; one submission).

Conditions:
Trichorhinophalangeal dysplasia type I (TRPS1). Also called: TRICHORHINOPHALANGEAL SYNDROME, TYPE I; TRPS I. Identifiers: Orphanet 77258, MedGen C0432233, MONDO:0008596, OMIM 190350.
Trichorhinophalangeal syndrome, type III (TRPS3). Also called: SUGIO-KAJII SYNDROME. Identifiers: Orphanet 77258, MedGen C1860823, OMIM 190351, MONDO:0008597.

Allele frequency attached by ClinVar (database versions not stated): TOPMed below 0.00001; gnomAD 0.00001; gnomAD exomes 0.00003.
gnomAD v4.1: 27 of 1,614,082 alleles (0.0017%); highest among the groups gnomAD compares: Non-Finnish European, 0.0022%; no homozygotes.

Submission:

Labcorp Genetics (formerly Invitae), Labcorp
Classification: Uncertain significance for Trichorhinophalangeal syndrome, type III; Trichorhinophalangeal dysplasia type I. Last evaluated: 2023-09-29. Review status: criteria provided, single submitter. Criteria: Invitae Variant Classification Sherloc (09022015). Collection method: clinical testing. Allele origin: germline.
Comment: This sequence change replaces glutamine, which is neutral and polar, with arginine, which is basic and polar, at codon 732 of the TRPS1 protein (p.Gln732Arg). In summary, the available evidence is currently insufficient to determine the role of this variant in disease. Therefore, it has been classified as a Variant of Uncertain Significance. Advanced modeling of protein sequence and biophysical properties (such as structural, functional, and spatial information, amino acid conservation, physicochemical variation, residue mobility, and thermodynamic stability) performed at Invitae indicates that this missense variant is not expected to disrupt TRPS1 protein function. This variant has not been reported in the literature in individuals affected with TRPS1-related conditions. This variant is present in population databases (no rsID available, gnomAD 0.007%).

NM_014112.5(TRPS1):c.2195A>G (p.Gln732Arg)

Gene: TRPS1 (transcriptional repressor GATA binding 1; minus strand). Cytogenetic location: 8q23.3.
Variant type: single nucleotide variant.
Coding change: c.2195A>G on transcript NM_014112.5 (MANE Select); coding-DNA position 2195, A replaced by G.
Protein change: p.Gln732Arg; replaces glutamine 732 with arginine.
Molecular consequence: missense variant.
Genome position (GRCh38, 1-based): chr8:115,587,506, T>C on the plus strand (A>G on the coding strand, the complement: TRPS1 is on the minus strand). VCF-style: chr8-115587506-T-C. GRCh37 (hg19) VCF-style: chr8-116599733-T-C.
Other names: c.2168A>G, p.Gln723Arg (NM_001282902.3); c.2174A>G, p.Gln725Arg (NM_001282903.3); c.2156A>G, p.Gln719Arg (NM_001330599.2); short protein forms Q725R, Q723R, Q719R, Q732R.
Identifiers: ClinVar variation 2937680 (VCV002937680.3), dbSNP rs1034246554, ClinGen allele CA184607798.